The following is an entry in ClinVar:

NM_007347.5(AP4E1):c.3214_3215del (p.Leu1072fs)

Gene: AP4E1 (adaptor related protein complex 4 subunit epsilon 1; plus strand). Cytogenetic location: 15q21.2.
Variant type: Microsatellite.
Coding change: c.3214_3215del on transcript NM_007347.5 (MANE Select); coding-DNA positions 3214 to 3215, 2 bases deleted (CT; older notation c.3214_3215delCT).
Protein change: p.Leu1072fs; shifts the reading frame from leucine 1072.
Molecular consequence: frameshift variant.
Genome position (GRCh38, 1-based): chr15:51,001,144-51,001,145, CT deleted; deleting any 2 consecutive bases within chr15:51,001,142-51,001,145 gives the same sequence; the c. name uses the placement nearest the transcript's 3' end. VCF-style (leftmost placement, unchanged base first): chr15-51001141-ACT-A. GRCh37 (hg19) VCF-style: chr15-51293338-ACT-A.
Other names: c.2989_2990del, p.Leu997fs (NM_001252127.2); short protein forms L1072fs, L997fs.
Identifiers: ClinVar variation 2152245 (VCV002152245.5), dbSNP rs757657323, ClinGen allele CA7559463.
Genomic context (GRCh38, chr15:51,001,141, plus strand): 5'-GATGTGAAACAAAATGTAAAAATGTCAGAATCTCAAGCTGCACTTCCTTCTGCACTAAAG[ACT>A]CTGCAACAGAAACTAAGACTCCATATTATTGAGATTATAGGTTTGTAGAGTTATAAAAAG-3'

ClinVar aggregate classification (germline): Pathogenic/Likely pathogenic. Review status: criteria provided, multiple submitters, no conflicts (2 of 4 stars). 2 submissions from 2 submitters: Pathogenic (1); Likely pathogenic (1). Last evaluated 2024-10-04.

Conditions:
Spastic paraplegia. Identifiers: MedGen C0037772, HP:0001258.
Stuttering. Identifiers: MedGen C0038506, HP:0025268.

Submissions (2):

Dubai Health Genomic Medicine Center, Dubai Health
Classification: Likely pathogenic for Stuttering. Last evaluated: 2024-10-04. Review status: criteria provided, single submitter. Criteria: ACMG Guidelines, 2015. Collection method: research. Allele origin: germline. Affected: yes.
Comment: PVS1,PM2

Labcorp Genetics (formerly Invitae), Labcorp
Classification: Pathogenic for Spastic paraplegia. Last evaluated: 2022-09-12. Review status: criteria provided, single submitter. Criteria: Invitae Variant Classification Sherloc (09022015). Collection method: clinical testing. Allele origin: germline.
Comment: This sequence change creates a premature translational stop signal (p.Leu1072Alafs*10) in the AP4E1 gene. While this is not anticipated to result in nonsense mediated decay, it is expected to disrupt the last 66 amino acid(s) of the AP4E1 protein. This variant is present in population databases (rs757657323, gnomAD 0.0009%). For these reasons, this variant has been classified as Pathogenic. This variant disrupts a region of the AP4E1 protein in which other variant(s) (p.Ile1084*) have been determined to be pathogenic (PMID: 33813722). This suggests that this is a clinically significant region of the protein, and that variants that disrupt it are likely to be disease-causing. This variant has not been reported in the literature in individuals affected with AP4E1-related conditions.

Literature cited by the submitters: PubMed 33813722 (cited by Labcorp Genetics (formerly Invitae), Labcorp).